The following is an entry in ClinVar:

ClinVar aggregate classification (germline): Uncertain significance. Review status: criteria provided, multiple submitters, no conflicts (2 of 4 stars). 2 submissions from 2 submitters: Uncertain significance (2). Last evaluated 2024-09-14.

Conditions:
Neuropathy, hereditary sensory and autonomic, type 2A (HSAN2A). Also called: ACROOSTEOLYSIS, GIACCAI TYPE; ACROOSTEOLYSIS, NEUROGENIC; MORVAN DISEASE; NEUROPATHY, CONGENITAL SENSORY; NEUROPATHY, HEREDITARY SENSORY RADICULAR, AUTOSOMAL RECESSIVE; NEUROPATHY, HEREDITARY SENSORY, TYPE IIA. Identifiers: Orphanet 970, MedGen C2752089, MONDO:0024309, OMIM 201300.
Pseudohypoaldosteronism type 2C (PHA2C). Also called: Pseudohypoaldosteronism Type IIC. Identifiers: Orphanet 757, Orphanet 88940, MedGen C1840391, MONDO:0013778, OMIM 614492.
Inborn genetic diseases. Identifiers: MedGen C0950123, MeSH D030342.

Allele frequency attached by ClinVar (database versions not stated): gnomAD exomes 0.00003; ExAC 0.00002; gnomAD 0.00002.

Submissions (2):

Labcorp Genetics (formerly Invitae), Labcorp
Classification: Uncertain significance for Neuropathy, hereditary sensory and autonomic, type 2A; Pseudohypoaldosteronism type 2C. Last evaluated: 2024-09-14. Review status: criteria provided, single submitter. Criteria: Invitae Variant Classification Sherloc (09022015). Collection method: clinical testing. Allele origin: germline.
Comment: This sequence change replaces arginine, which is basic and polar, with histidine, which is basic and polar, at codon 825 of the WNK1 protein (p.Arg825His). This variant is present in population databases (rs781334326, gnomAD 0.02%). This variant has not been reported in the literature in individuals affected with WNK1-related conditions. ClinVar contains an entry for this variant (Variation ID: 2319646). Invitae Evidence Modeling of protein sequence and biophysical properties (such as structural, functional, and spatial information, amino acid conservation, physicochemical variation, residue mobility, and thermodynamic stability) indicates that this missense variant is not expected to disrupt WNK1 protein function with a negative predictive value of 95%. In summary, the available evidence is currently insufficient to determine the role of this variant in disease. Therefore, it has been classified as a Variant of Uncertain Significance.

Ambry Genetics
Classification: Uncertain significance for Inborn genetic diseases. Last evaluated: 2022-11-10. Review status: criteria provided, single submitter. Criteria: Ambry Variant Classification Scheme 2023. Collection method: clinical testing. Allele origin: germline.

NM_213655.5(WNK1):c.2474G>A (p.Arg825His)

Gene: WNK1 (WNK lysine deficient protein kinase 1; plus strand). Cytogenetic location: 12p13.33.
Variant type: single nucleotide variant.
Coding change: c.2474G>A on transcript NM_213655.5 (MANE Plus Clinical); coding-DNA position 2474, G replaced by A.
Protein change: p.Arg825His; replaces arginine 825 with histidine.
Molecular consequence: missense variant. On other transcripts: intron variant (2).
Genome position (GRCh38, 1-based): chr12:867,945, G>A. VCF-style: chr12-867945-G-A. GRCh37 (hg19) VCF-style: chr12-977111-G-A.
Other names: c.2219G>A, p.Arg740His (NM_001184985.2); c.2140-3320G>A (NM_018979.4, NM_014823.3); short protein forms R740H, R825H.
Identifiers: ClinVar variation 2319646 (VCV002319646.4), dbSNP rs781334326, ClinGen allele CA6382181.